The following is an entry in ClinVar:

ClinVar aggregate classification (germline): Uncertain significance (1 of 4 stars; one submission).

Conditions:
Combined immunodeficiency due to DOCK8 deficiency (HIES2). Also called: HIES autosomal recessive; DOCK8 Deficiency; Hyper-IgE recurrent infection syndrome, autosomal recessive; HYPER-IgE SYNDROME 2, AUTOSOMAL RECESSIVE, WITH RECURRENT INFECTIONS; HYPER-IgE RECURRENT INFECTION SYNDROME 2, AUTOSOMAL RECESSIVE. Identifiers: Orphanet 217390, MedGen C4722305, MONDO:0009478, OMIM 243700.

Allele frequency attached by ClinVar (database versions not stated): TOPMed below 0.00001; gnomAD 0.00001.
gnomAD v4.1: 1 of 1,614,028 alleles (0.000062%); no homozygotes.

Submission:

Labcorp Genetics (formerly Invitae), Labcorp
Classification: Uncertain significance for Combined immunodeficiency due to DOCK8 deficiency. Last evaluated: 2023-10-13. Review status: criteria provided, single submitter. Criteria: Invitae Variant Classification Sherloc (09022015). Collection method: clinical testing. Allele origin: germline.
Comment: This sequence change replaces proline, which is neutral and non-polar, with serine, which is neutral and polar, at codon 173 of the DOCK8 protein (p.Pro173Ser). This variant is present in population databases (no rsID available, gnomAD 0.03%). This variant has not been reported in the literature in individuals affected with DOCK8-related conditions. ClinVar contains an entry for this variant (Variation ID: 1500651). Advanced modeling of protein sequence and biophysical properties (such as structural, functional, and spatial information, amino acid conservation, physicochemical variation, residue mobility, and thermodynamic stability) performed at Invitae indicates that this missense variant is not expected to disrupt DOCK8 protein function. In summary, the available evidence is currently insufficient to determine the role of this variant in disease. Therefore, it has been classified as a Variant of Uncertain Significance.

NM_203447.4(DOCK8):c.517C>T (p.Pro173Ser)

Gene: DOCK8 (dedicator of cytokinesis 8; plus strand). Cytogenetic location: 9p24.3.
Variant type: single nucleotide variant.
Coding change: c.517C>T on transcript NM_203447.4 (MANE Select); coding-DNA position 517, C replaced by T.
Protein change: p.Pro173Ser; replaces proline 173 with serine.
Molecular consequence: missense variant.
Genome position (GRCh38, 1-based): chr9:304,693, C>T. VCF-style: chr9-304693-C-T. GRCh37 (hg19) VCF-style: chr9-304693-C-T.
Other names: c.313C>T, p.Pro105Ser (NM_001190458.2, NM_001193536.2); short protein forms P105S, P173S.
Identifiers: ClinVar variation 1500651 (VCV001500651.8), dbSNP rs1458913430, ClinGen allele CA372758972.